The following is an entry in ClinVar:

NM_000642.3(AGL):c.931G>A (p.Glu311Lys)

Gene: AGL (amylo-alpha-1,6-glucosidase and 4-alpha-glucanotransferase; plus strand). Cytogenetic location: 1p21.2.
Variant type: single nucleotide variant.
Coding change: c.931G>A on transcript NM_000642.3 (MANE Select); coding-DNA position 931, G replaced by A.
Protein change: p.Glu311Lys; replaces glutamic acid 311 with lysine.
Molecular consequence: missense variant.
Genome position (GRCh38, 1-based): chr1:99,870,842, G>A. VCF-style: chr1-99870842-G-A. GRCh37 (hg19) VCF-style: chr1-100336398-G-A.
Other names: c.931G>A, p.Glu311Lys (NM_000028.3, NM_000643.3, NM_000644.3 and 3 more transcripts); c.883G>A, p.Glu295Lys (NM_000646.3); c.727G>A, p.Glu243Lys (NM_001425328.1, NM_001425329.1); c.553G>A, p.Glu185Lys (NM_001425332.1); short protein forms E311K, E295K, E185K, E243K.
Identifiers: ClinVar variation 500887 (VCV000500887.11), dbSNP rs1553184646, ClinGen allele CA341341830.

ClinVar aggregate classification (germline): Uncertain significance. Review status: criteria provided, multiple submitters, no conflicts (2 of 4 stars). 4 submissions from 4 submitters: Uncertain significance (3). 1 of the submissions does not count toward it. Last evaluated 2022-02-14.

Conditions:
Glycogen storage disease type III (GSD3). Also called: FORBES DISEASE; Cori disease. Identifiers: Orphanet 366, MedGen C0017922, MONDO:0009291, OMIM 232400.

Allele frequency attached by ClinVar (database versions not stated): gnomAD exomes below 0.00001; TOPMed below 0.00001; gnomAD 0.00001.
gnomAD v4.1: 6 of 1,606,314 alleles (0.00037%); highest among the groups gnomAD compares: Admixed American, 0.0083%; no homozygotes.

Submissions (4):

Labcorp Genetics (formerly Invitae), Labcorp
Classification: Uncertain significance for Glycogen storage disease type III. Last evaluated: 2022-02-14. Review status: criteria provided, single submitter. Criteria: Invitae Variant Classification Sherloc (09022015). Collection method: clinical testing. Allele origin: germline.
Comment: This sequence change replaces glutamic acid, which is acidic and polar, with lysine, which is basic and polar, at codon 311 of the AGL protein (p.Glu311Lys). This variant is not present in population databases (gnomAD no frequency). This variant has not been reported in the literature in individuals affected with AGL-related conditions. ClinVar contains an entry for this variant (Variation ID: 500887). Algorithms developed to predict the effect of missense changes on protein structure and function (SIFT, PolyPhen-2, Align-GVGD) all suggest that this variant is likely to be tolerated. In summary, the available evidence is currently insufficient to determine the role of this variant in disease. Therefore, it has been classified as a Variant of Uncertain Significance.

Genome-Nilou Lab
Classification: Uncertain significance for Glycogen storage disease type III. Last evaluated: 2021-07-15. Review status: criteria provided, single submitter. Criteria: ACMG Guidelines, 2015. Collection method: clinical testing. Allele origin: germline. Affected: no.

Eurofins Ntd Llc (ga)
Classification: Uncertain significance. Last evaluated: 2017-03-27. Review status: criteria provided, single submitter. Criteria: EGL Classification Definitions 2015. Collection method: clinical testing. Allele origin: germline. Observed: 1 variant allele, 1 heterozygote.

Natera, Inc.
Classification: Uncertain significance for Glycogen storage disease type III. Last evaluated: 2020-11-17. Review status: no assertion criteria provided. Collection method: clinical testing. Allele origin: germline. Not counted in ClinVar's aggregate classification.